The following is an entry in ClinVar:

NM_032977.4(CASP10):c.576A>G (p.Lys192=)

Gene: CASP10 (caspase 10; plus strand). Cytogenetic location: 2q33.1.
Variant type: single nucleotide variant.
Coding change: c.576A>G on transcript NM_032977.4 (MANE Select); coding-DNA position 576, A replaced by G.
Protein change: p.Lys192=; no amino-acid change (lysine 192 retained).
Molecular consequence: synonymous variant.
Genome position (GRCh38, 1-based): chr2:201,193,118, A>G. VCF-style: chr2-201193118-A-G. GRCh37 (hg19) VCF-style: chr2-202057841-A-G.
Other names: c.576A>G, p.Lys192= (NM_001206524.2, NM_001206542.2, NM_001230.5 and 3 more transcripts).
Identifiers: ClinVar variation 2942241 (VCV002942241.3), dbSNP rs1944668162, ClinGen allele CA430608657.
Genomic context (GRCh38, chr2:201,193,118, plus strand): 5'-CCTCTGCAAAACAGTTGTACCTAAACTTTTGAGAAACATAGAGAAATACAAAAGAGAGAA[A>G]GGTAAGTAGCTTGTGATTGCTAACTTGGACCAGACCATGGAAATTCTTAAACCAATTGGC-3'
Protein context (NP_116759.2, residues 182-202): LRNIEKYKRE[Lys192=]AIQIVTPPVD

ClinVar aggregate classification (germline): Uncertain significance (1 of 4 stars; one submission).

Conditions:
Autoimmune lymphoproliferative syndrome type 2A (ALPS2A). Also called: CASP10-Related Autoimmune Lymphoproliferative Syndrome; AUTOIMMUNE LYMPHOPROLIFERATIVE SYNDROME, TYPE IIA; Autoimmune lymphoproliferative syndrome type 2. Identifiers: Orphanet 3261, MedGen C1858968, MONDO:0011383, OMIM 603909.

Submission:

Labcorp Genetics (formerly Invitae), Labcorp
Classification: Uncertain significance for Autoimmune lymphoproliferative syndrome type 2A. Last evaluated: 2022-12-13. Review status: criteria provided, single submitter. Criteria: Invitae Variant Classification Sherloc (09022015). Collection method: clinical testing. Allele origin: germline.
Comment: This sequence change affects codon 192 of the CASP10 mRNA. It is a 'silent' change, meaning that it does not change the encoded amino acid sequence of the CASP10 protein. It affects a nucleotide within the consensus splice site. This variant is not present in population databases (gnomAD no frequency). This variant has not been reported in the literature in individuals affected with CASP10-related conditions. Algorithms developed to predict the effect of sequence changes on RNA splicing suggest that this variant is not likely to affect RNA splicing. In summary, the available evidence is currently insufficient to determine the role of this variant in disease. Therefore, it has been classified as a Variant of Uncertain Significance.